The following is an entry in ClinVar:

ClinVar aggregate classification (germline): Uncertain significance (1 of 4 stars; one submission).

Conditions:
BAP1-related tumor predisposition syndrome (TPDS1). Also called: COMMON Syndrome; Tumor susceptibility linked to germline BAP1 mutations; TUMOR PREDISPOSITION SYNDROME 1; BAP1 tumor predisposition syndrome. Identifiers: Orphanet 289539, MedGen C3280492, MONDO:0013692, OMIM 614327.

Allele frequency attached by ClinVar (database versions not stated): gnomAD exomes below 0.00001.
gnomAD v4.1: 1 of 1,614,118 alleles (0.000062%); highest among the groups gnomAD compares: Non-Finnish European, 0.000085%; no homozygotes.

Submission:

Labcorp Genetics (formerly Invitae), Labcorp
Classification: Uncertain significance for BAP1-related tumor predisposition syndrome. Last evaluated: 2023-10-17. Review status: criteria provided, single submitter. Criteria: Invitae Variant Classification Sherloc (09022015). Collection method: clinical testing. Allele origin: germline.
Comment: This sequence change replaces isoleucine, which is neutral and non-polar, with leucine, which is neutral and non-polar, at codon 511 of the BAP1 protein (p.Ile511Leu). This variant is not present in population databases (gnomAD no frequency). This variant has not been reported in the literature in individuals affected with BAP1-related conditions. Advanced modeling of protein sequence and biophysical properties (such as structural, functional, and spatial information, amino acid conservation, physicochemical variation, residue mobility, and thermodynamic stability) performed at Invitae indicates that this missense variant is not expected to disrupt BAP1 protein function. In summary, the available evidence is currently insufficient to determine the role of this variant in disease. Therefore, it has been classified as a Variant of Uncertain Significance.

NM_004656.4(BAP1):c.1531A>C (p.Ile511Leu)

Gene: BAP1 (BRCA1 associated deubiquitinase 1; minus strand). Cytogenetic location: 3p21.1.
Variant type: single nucleotide variant.
Coding change: c.1531A>C on transcript NM_004656.4 (MANE Select); coding-DNA position 1531, A replaced by C.
Protein change: p.Ile511Leu; replaces isoleucine 511 with leucine.
Molecular consequence: missense variant.
Genome position (GRCh38, 1-based): chr3:52,403,614, T>G on the plus strand (A>C on the coding strand, the complement: BAP1 is on the minus strand). VCF-style: chr3-52403614-T-G. GRCh37 (hg19) VCF-style: chr3-52437630-T-G.
Other names: c.1477A>C, p.Ile493Leu (NM_001410772.1); short protein forms I493L, I511L.
Identifiers: ClinVar variation 3007139 (VCV003007139.3), dbSNP rs1559586695, ClinGen allele CA353100805.